The following is an entry in ClinVar:

NM_015474.4(SAMHD1):c.80C>T (p.Ser27Phe)

Gene: SAMHD1 (SAM and HD domain containing deoxynucleoside triphosphate triphosphohydrolase 1; minus strand). Cytogenetic location: 20q11.23.
Variant type: single nucleotide variant.
Coding change: c.80C>T on transcript NM_015474.4 (MANE Select); coding-DNA position 80, C replaced by T.
Protein change: p.Ser27Phe; replaces serine 27 with phenylalanine.
Molecular consequence: missense variant.
Genome position (GRCh38, 1-based): chr20:36,951,564, G>A on the plus strand (C>T on the coding strand, the complement: SAMHD1 is on the minus strand). VCF-style: chr20-36951564-G-A. GRCh37 (hg19) VCF-style: chr20-35579967-G-A.
Other names: c.80C>T, p.Ser27Phe (NM_001363733.2, NM_001363729.2); short protein forms S27F.
Identifiers: ClinVar variation 2165407 (VCV002165407.4), dbSNP rs2515286244, ClinGen allele CA408832457.

ClinVar aggregate classification (germline): Uncertain significance (1 of 4 stars; one submission).

Conditions:
Aicardi-Goutieres syndrome 5. Identifiers: Orphanet 51, MedGen C2749659, MONDO:0013059, OMIM 612952.

Submission:

Labcorp Genetics (formerly Invitae), Labcorp
Classification: Uncertain significance for Aicardi-Goutieres syndrome 5. Last evaluated: 2022-07-30. Review status: criteria provided, single submitter. Criteria: Invitae Variant Classification Sherloc (09022015). Collection method: clinical testing. Allele origin: germline.
Comment: In summary, the available evidence is currently insufficient to determine the role of this variant in disease. Therefore, it has been classified as a Variant of Uncertain Significance. Algorithms developed to predict the effect of missense changes on protein structure and function output the following: SIFT: "Tolerated"; PolyPhen-2: "Benign"; Align-GVGD: "Class C0". The phenylalanine amino acid residue is found in multiple mammalian species, which suggests that this missense change does not adversely affect protein function. This variant has not been reported in the literature in individuals affected with SAMHD1-related conditions. This variant is not present in population databases (gnomAD no frequency). This sequence change replaces serine, which is neutral and polar, with phenylalanine, which is neutral and non-polar, at codon 27 of the SAMHD1 protein (p.Ser27Phe).